The following is an entry in ClinVar:

ClinVar aggregate classification (germline): Uncertain significance. Review status: criteria provided, multiple submitters, no conflicts (2 of 4 stars). 3 submissions from 3 submitters: Uncertain significance (3). Last evaluated 2021-07-16.

Conditions:
Hereditary cancer-predisposing syndrome. Also called: Tumor predisposition; Hereditary Cancer Syndrome; Hereditary neoplastic syndrome; Neoplastic Syndromes, Hereditary. Identifiers: Orphanet 140162, MedGen C0027672, MeSH D009386, MONDO:0015356.
Hereditary breast ovarian cancer syndrome. Also called: Breast and ovarian cancer; Hereditary breast and ovarian cancer; Hereditary breast and/or ovarian cancer syndrome; BRCA1- and BRCA2-Associated Hereditary Breast and Ovarian Cancer; Hereditary breast and ovarian cancer syndrome (HBOC); Hereditary breast and ovarian cancer syndrome. Identifiers: Orphanet 145, MedGen C0677776, MeSH D061325, MONDO:0003582. Disease mechanism: loss of function.

Submissions (3):

GeneDx
Classification: Uncertain significance. Last evaluated: 2021-07-16. Review status: criteria provided, single submitter. Criteria: GeneDx Variant Classification Process June 2021. Collection method: clinical testing. Allele origin: germline. Affected: yes.
Comment: Not observed at significant frequency in large population cohorts (Lek et al., 2016); In silico analysis supports that this missense variant does not alter protein structure/function; Has not been previously published as pathogenic or benign to our knowledge; Also known as 4758T>A; This variant is associated with the following publications: (PMID: 27535533)

Labcorp Genetics (formerly Invitae), Labcorp
Classification: Uncertain significance for Hereditary breast ovarian cancer syndrome. Last evaluated: 2020-10-27. Review status: criteria provided, single submitter. Criteria: Invitae Variant Classification Sherloc (09022015). Collection method: clinical testing. Allele origin: germline.
Comment: In summary, the available evidence is currently insufficient to determine the role of this variant in disease. Therefore, it has been classified as a Variant of Uncertain Significance. Algorithms developed to predict the effect of missense changes on protein structure and function (SIFT, PolyPhen-2, Align-GVGD) all suggest that this variant is likely to be tolerated, but these predictions have not been confirmed by published functional studies and their clinical significance is uncertain. This variant has not been reported in the literature in individuals with BRCA1-related disease. ClinVar contains an entry for this variant (Variation ID: 182162). This variant is not present in population databases (ExAC no frequency). This sequence change replaces leucine with methionine at codon 1547 of the BRCA1 protein (p.Leu1547Met). The leucine residue is moderately conserved and there is a small physicochemical difference between leucine and methionine.

Ambry Genetics
Classification: Uncertain significance for Hereditary cancer-predisposing syndrome. Last evaluated: 2019-09-11. Review status: criteria provided, single submitter. Criteria: Ambry Variant Classification Scheme 2023. Collection method: clinical testing. Allele origin: germline.
Comment: The p.L1547M variant (also known as c.4639T>A), located in coding exon 13 of the BRCA1 gene, results from a T to A substitution at nucleotide position 4639. The leucine at codon 1547 is replaced by methionine, an amino acid with highly similar properties. This amino acid position is not well conserved in available vertebrate species. In addition, the in silico prediction for this alteration is inconclusive. Since supporting evidence is limited at this time, the clinical significance of this alteration remains unclear.

NM_007294.4(BRCA1):c.4639T>A (p.Leu1547Met)

Gene: BRCA1 (BRCA1 DNA repair associated; minus strand). Cytogenetic location: 17q21.31.
Variant type: single nucleotide variant.
Coding change: c.4639T>A on transcript NM_007294.4 (MANE Select); coding-DNA position 4639, T replaced by A.
Protein change: p.Leu1547Met; replaces leucine 1547 with methionine.
Molecular consequence: missense variant. On other transcripts: non-coding transcript variant (1).
Genome position (GRCh38, 1-based): chr17:43,074,367, A>T on the plus strand (T>A on the coding strand, the complement: BRCA1 is on the minus strand). VCF-style: chr17-43074367-A-T. GRCh37 (hg19) VCF-style: chr17-41226384-A-T.
Other names: p.L1547M:TTG>ATG; c.4561T>A, p.Leu1521Met (NM_001407655.1, NM_001407653.1, NM_001407654.1); c.4558T>A, p.Leu1520Met (NM_001407656.1, NM_001407657.1, NM_001407658.1); c.4555T>A, p.Leu1519Met (NM_001407659.1, NM_001407660.1, NM_001407661.1 and 2 more transcripts); c.4516T>A, p.Leu1506Met (NM_001407664.1, NM_001407665.1, NM_001407666.1 and 6 more transcripts); c.4513T>A, p.Leu1505Met (NM_001407670.1, NM_001407671.1, NM_001407672.1 and 11 more transcripts); c.4510T>A, p.Leu1504Met (NM_001407681.1, NM_001407682.1, NM_001407683.1 and 6 more transcripts); c.4639T>A, p.Leu1547Met (NM_001407684.1, NM_001407854.1, NM_001407593.1 and 8 more transcripts); and 69 more; short protein forms L1547M, L443M, L1500M, L1568M, L1418M, L1435M, L1436M, L1459M.
Identifiers: ClinVar variation 182162 (VCV000182162.16), dbSNP rs730881492, ClinGen allele CA002939.